The following is an entry in ClinVar:

NM_001267550.2(TTN):c.32446dup (p.Ile10816fs)

Gene: TTN (titin; minus strand). Cytogenetic location: 2q31.2.
Variant type: Duplication.
Coding change: c.32446dup on transcript NM_001267550.2 (MANE Select); coding-DNA position 32446, one base duplicated (A; older notation c.32446dupA).
Protein change: p.Ile10816fs; shifts the reading frame from isoleucine 10816.
Molecular consequence: frameshift variant. On other transcripts: intron variant (3).
Genome position (GRCh38, 1-based): chr2:178,685,277, T duplicated on the plus strand (A on the coding strand, the reverse complement: TTN is on the minus strand); the first of 4 consecutive T bases (chr2:178,685,277-178,685,280); duplicating any one gives the same sequence. VCF-style (leftmost placement, unchanged base first): chr2-178685276-A-AT. GRCh37 (hg19) VCF-style: chr2-179550003-A-AT.
Other names: c.31495dup, p.Ile10499fs (NM_001256850.1); c.28714dup, p.Ile9572fs (NM_133378.4); c.13283-42960dup (NM_003319.4); c.13859-42960dup (NM_133437.4); c.13658-42960dup (NM_133432.3); short protein forms I10816fs, I10499fs, I9572fs.
Identifiers: ClinVar variation 1446480 (VCV001446480.8), dbSNP rs2154275355, ClinGen allele CA2573133854.

ClinVar aggregate classification (germline): Likely pathogenic (1 of 4 stars; one submission).

Conditions:
Dilated cardiomyopathy 1G (CMD1G). Identifiers: Orphanet 154, MedGen C1858763, MONDO:0011400, OMIM 604145.
Autosomal recessive limb-girdle muscular dystrophy type 2J (LGMDR10). Also called: MUSCULAR DYSTROPHY, LIMB-GIRDLE, AUTOSOMAL RECESSIVE 10; Limb-girdle muscular dystrophy, type 2J. Identifiers: Orphanet 140922, MedGen C1837342, MONDO:0012127, OMIM 608807.

Submission:

Labcorp Genetics (formerly Invitae), Labcorp
Classification: Likely pathogenic for Dilated cardiomyopathy 1G; Autosomal recessive limb-girdle muscular dystrophy type 2J. Last evaluated: 2024-12-02. Review status: criteria provided, single submitter. Criteria: Invitae Variant Classification Sherloc (09022015). Collection method: clinical testing. Allele origin: germline.
Comment: This sequence change creates a premature translational stop signal (p.Ile10816Asnfs*8) in the TTN gene. While this is not anticipated to result in nonsense mediated decay, it is expected to create a truncated TTN protein. This variant is not present in population databases (gnomAD no frequency). This premature translational stop signal has been observed in individual(s) with clinical features of autosomal recessive TTN-related conditions (internal data). ClinVar contains an entry for this variant (Variation ID: 1446480). Algorithms developed to predict the effect of sequence changes on RNA splicing suggest that this variant may disrupt the consensus splice site. This variant is located in the I band of TTN (PMID: 25589632). Truncating variants in this region have been reported in individuals affected with autosomal recessive centronuclear myopathy (PMID: 23975875, internal data). Truncating variants in this region have also been identified in individuals affected with autosomal dominant dilated cardiomyopathy and/or cardio-related conditions (PMID: 27869827, 32964742, internal data). In summary, the currently available evidence indicates that the variant is pathogenic, but additional data are needed to prove that conclusively. Therefore, this variant has been classified as Likely Pathogenic.

Literature cited by the submitters: PubMed 25589632; PubMed 23975875; PubMed 27869827; PubMed 32964742.